The following is an entry in ClinVar:

ClinVar aggregate classification (germline): Uncertain significance (1 of 4 stars; one submission).

Conditions:
Inborn genetic diseases. Identifiers: MedGen C0950123, MeSH D030342.

Submission:

Ambry Genetics
Classification: Uncertain significance for Inborn genetic diseases. Last evaluated: 2025-08-01. Review status: criteria provided, single submitter. Criteria: Ambry Variant Classification Scheme 2023. Collection method: clinical testing. Allele origin: germline.
Comment: The p.F169L variant (also known as c.505T>C), located in coding exon 1 of the SAMD9 gene, results from a T to C substitution at nucleotide position 505. The phenylalanine at codon 169 is replaced by leucine, an amino acid with highly similar properties. This amino acid position is conserved. In addition, this alteration is predicted to be tolerated by in silico analysis. Based on the available evidence, the clinical significance of this variant remains unclear.

NM_017654.4(SAMD9):c.505T>C (p.Phe169Leu)

Gene: SAMD9 (sterile alpha motif domain containing 9; minus strand). Cytogenetic location: 7q21.2.
Variant type: single nucleotide variant.
Coding change: c.505T>C on transcript NM_017654.4 (MANE Select); coding-DNA position 505, T replaced by C.
Protein change: p.Phe169Leu; replaces phenylalanine 169 with leucine.
Molecular consequence: missense variant.
Genome position (GRCh38, 1-based): chr7:93,105,593, A>G on the plus strand (T>C on the coding strand, the complement: SAMD9 is on the minus strand). VCF-style: chr7-93105593-A-G. GRCh37 (hg19) VCF-style: chr7-92734906-A-G.
Other names: c.505T>C, p.Phe169Leu (NM_001193307.2); short protein forms F169L.
Identifiers: ClinVar variation 4159119 (VCV004159119.1).